The following is an entry in ClinVar:

ClinVar aggregate classification (germline): Uncertain significance (1 of 4 stars; one submission).

Conditions:
Hereditary cancer-predisposing syndrome. Also called: Neoplastic Syndromes, Hereditary; Tumor predisposition; Hereditary Cancer Syndrome; Hereditary neoplastic syndrome. Identifiers: Orphanet 140162, MedGen C0027672, MeSH D009386, MONDO:0015356.

Allele frequency attached by ClinVar (database versions not stated): gnomAD exomes below 0.00001; TOPMed below 0.00001.
gnomAD v4.1: 1 of 1,609,952 alleles (0.000062%); highest among the groups gnomAD compares: Admixed American, 0.0017%; no homozygotes.

Submission:

Ambry Genetics
Classification: Uncertain significance for Hereditary cancer-predisposing syndrome. Last evaluated: 2022-07-15. Review status: criteria provided, single submitter. Criteria: Ambry Variant Classification Scheme 2023. Collection method: clinical testing. Allele origin: germline.
Comment: The c.402+4A>G intronic variant results from an A to G substitution 4 nucleotides after coding exon 4 in the MRE11A gene. This nucleotide position is highly conserved in available vertebrate species. In silico splice site analysis predicts that this alteration will weaken the native splice donor site. Since supporting evidence is limited at this time, the clinical significance of this alteration remains unclear.

NM_005591.4(MRE11):c.402+4A>G

Gene: MRE11 (MRE11 double strand break repair nuclease; minus strand). Cytogenetic location: 11q21.
Variant type: single nucleotide variant.
Coding change: c.402+4A>G on transcript NM_005591.4 (MANE Select); 4 bases into the intron after coding-DNA position 402, A replaced by G.
Molecular consequence: intron variant.
Genome position (GRCh38, 1-based): chr11:94,479,670, T>C on the plus strand (A>G on the coding strand, the complement: MRE11 is on the minus strand). VCF-style: chr11-94479670-T-C. GRCh37 (hg19) VCF-style: chr11-94212836-T-C.
Other names: c.402+4A>G (NM_001330347.2, NM_005590.4).
Identifiers: ClinVar variation 1800390 (VCV001800390.2), dbSNP rs918214528, ClinGen allele CA226537846.
Genomic context (GRCh38, chr11:94,479,670, plus strand): 5'-TCCACAGACAAACTAAACTGATCATTTCCAAAATTCCAACAAACTCTAAGAAAACAATAA[T>C]TACCCCTGTGGGATCGTCATGATTGCCATGAATACTAAACACTGGAATTGAAATGTTGAG-3'